The following is an entry in ClinVar:

ClinVar aggregate classification (germline): Uncertain significance (1 of 4 stars; one submission).

Conditions:
Congenital myasthenic syndrome 9. Also called: Myasthenic syndrome, congenital, 9, associated with acetylcholine receptor deficiency. Identifiers: Orphanet 590, MedGen C4225368, MONDO:0014587, OMIM 616325.

gnomAD v4.1: 1 of 1,613,324 alleles (0.000062%); highest among the groups gnomAD compares: Non-Finnish European, 0.000085%; no homozygotes.

Submission:

Victorian Clinical Genetics Services, Murdoch Childrens Research Institute
Classification: Uncertain significance for Congenital myasthenic syndrome 9. Last evaluated: 2025-03-17. Review status: criteria provided, single submitter. Criteria: ACMG Guidelines, 2015. Collection method: clinical testing. Allele origin: germline. Affected: yes.
Comment: This variant is classified as VUS-3A. Evidence in support of pathogenic classification: Variant is present in gnomAD <0.01 for a recessive condition (v4: 1 heterozygote(s), 0 homozygote(s)). Additional information: Variant is predicted to result in a missense amino acid change from leucine to proline; This variant is heterozygous; This gene is associated with autosomal recessive disease; This variant has no previous evidence of pathogenicity; No published segregation evidence has been identified for this variant; No published functional evidence has been identified for this variant; No comparable missense variants have previous evidence for pathogenicity; Variant is located in the annotated immunoglobulin domain (DECIPHER); Missense variant with inconclusive in silico prediction and uninformative conservation; Loss of function is a known mechanism of disease in this gene and is associated with fetal akinesia deformation sequence 1 (MIM#208150), and congenital myasthenic syndrome 9, associated with acetylcholine receptor deficiency (MIM#616325).

NM_005592.4(MUSK):c.692T>C (p.Leu231Pro)

Gene: MUSK (muscle associated receptor tyrosine kinase; plus strand). Cytogenetic location: 9q31.3.
Variant type: single nucleotide variant.
Coding change: c.692T>C on transcript NM_005592.4 (MANE Select); coding-DNA position 692, T replaced by C.
Protein change: p.Leu231Pro; replaces leucine 231 with proline.
Molecular consequence: missense variant. On other transcripts: 5 prime UTR variant (1).
Genome position (GRCh38, 1-based): chr9:110,734,314, T>C. VCF-style: chr9-110734314-T-C. GRCh37 (hg19) VCF-style: chr9-113496594-T-C.
Other names: c.722T>C, p.Leu241Pro (NM_001166280.2); c.692T>C, p.Leu231Pro (NM_001166281.2); c.-545T>C (NM_001369398.1); short protein forms L231P, L241P.
Identifiers: ClinVar variation 4532109 (VCV004532109.1).